The following is an entry in ClinVar:

ClinVar aggregate classification (germline): Pathogenic/Likely pathogenic. Review status: criteria provided, multiple submitters, no conflicts (2 of 4 stars). 11 submissions from 11 submitters: Pathogenic (5); Likely pathogenic (4). 2 of the submissions do not count toward it. Last evaluated 2026-04-02.

Conditions:
DHCR7-related disorder. Also called: DHCR7-related condition.
Inborn genetic diseases. Identifiers: MedGen C0950123, MeSH D030342.
Smith-Lemli-Opitz syndrome (SLOS). Also called: POLYDACTYLY, SEX REVERSAL, RENAL HYPOPLASIA, AND UNILOBAR LUNG; RSH SYNDROME; RUTLEDGE LETHAL MULTIPLE CONGENITAL ANOMALY SYNDROME; LETHAL ACRODYSGENITAL SYNDROME; 7-Dehydrocholesterol reductase deficiency. Identifiers: Orphanet 818, MedGen C0175694, MONDO:0010035, OMIM 270400.

Allele frequency attached by ClinVar (database versions not stated): gnomAD exomes 0.00002; TOPMed 0.00002; gnomAD 0.00001; ExAC 0.00002.
gnomAD v4.1: 34 of 1,613,770 alleles (0.0021%); highest among the groups gnomAD compares: Non-Finnish European, 0.0027%; no homozygotes.

Submissions (11):

North West Genomic Laboratory Hub, Manchester University NHS Foundation Trust
Classification: Pathogenic for Smith-Lemli-Opitz syndrome. Last evaluated: 2026-04-02. Review status: criteria provided, single submitter. Criteria: ACGS Best Practice Guidelines for Variant Classification in Rare Disease 2024. Collection method: clinical testing. Allele origin: germline. Affected: yes.
Comment: PM3_VStr PP4_Supp PM2_Mod PP1_Str

Natera, Inc.
Classification: Likely pathogenic for Smith-Lemli-Opitz syndrome. Last evaluated: 2025-09-05. Review status: criteria provided, single submitter. Criteria: Natera Variant Classification Schema (03/2026). Collection method: clinical testing. Allele origin: germline.
Comment: The c.866C>T variant in DHCR7 is a missense variant predicted to cause substitution of threonine to isoleucine at amino acid 289. This variant is rare in the general population with a frequency below the threshold expected for the associated phenotype(s). This variant has been observed in one or more individuals affected with the associated recessive disease, as either homozygous or compound heterozygous with a second variant (PMID: 17441222, 10995508). Additionally, this variant has been observed to segregate in affected family members (PMID: 10995508). Given the available evidence, this variant is classified as Likely Pathogenic.

Women's Health and Genetics/Laboratory Corporation of America, LabCorp
Classification: Likely pathogenic for Smith-Lemli-Opitz syndrome. Last evaluated: 2024-11-25. Review status: criteria provided, single submitter. Criteria: LabCorp Variant Classification Summary - May 2015. Collection method: clinical testing. Allele origin: germline.
Comment: Variant summary: DHCR7 c.866C>T (p.Thr289Ile) results in a non-conservative amino acid change in the encoded protein sequence. Three of five in-silico tools predict a damaging effect of the variant on protein function. The variant allele was found at a frequency of 1.6e-05 in 251110 control chromosomes. c.866C>T has been reported in the literature in individuals affected with Smith-Lemli-Opitz Syndrome (ex. Nowaczyk_2001, Tierney_2010, Krakowiak_2000). These data indicate that the variant is likely to be associated with disease. The following publications have been ascertained in the context of this evaluation (PMID: 11298379, 20014133, 11471166, 10995508). ClinVar contains an entry for this variant (Variation ID: 6789). Based on the evidence outlined above, the variant was classified as likely pathogenic.

Fulgent Genetics
Classification: Likely pathogenic for Smith-Lemli-Opitz syndrome. Last evaluated: 2024-04-16. Review status: criteria provided, single submitter. Criteria: ACMG Guidelines, 2015. Collection method: clinical testing. Allele origin: germline.

Labcorp Genetics (formerly Invitae), Labcorp
Classification: Pathogenic for Smith-Lemli-Opitz syndrome. Last evaluated: 2024-01-04. Review status: criteria provided, single submitter. Criteria: Invitae Variant Classification Sherloc (09022015). Collection method: clinical testing. Allele origin: germline.
Comment: This sequence change replaces threonine, which is neutral and polar, with isoleucine, which is neutral and non-polar, at codon 289 of the DHCR7 protein (p.Thr289Ile). This variant is present in population databases (rs121909765, gnomAD 0.004%). This missense change has been observed in individual(s) with Smith-Lemli-Opitz syndrome (PMID: 10995508, 11298379). In at least one individual the data is consistent with being in trans (on the opposite chromosome) from a pathogenic variant. It has also been observed to segregate with disease in related individuals. ClinVar contains an entry for this variant (Variation ID: 6789). Advanced modeling of protein sequence and biophysical properties (such as structural, functional, and spatial information, amino acid conservation, physicochemical variation, residue mobility, and thermodynamic stability) performed at Invitae indicates that this missense variant is expected to disrupt DHCR7 protein function with a positive predictive value of 95%. For these reasons, this variant has been classified as Pathogenic.

GeneDx
Classification: Pathogenic. Last evaluated: 2022-02-22. Review status: criteria provided, single submitter. Criteria: GeneDx Variant Classification Process June 2021. Collection method: clinical testing. Allele origin: germline. Affected: yes.
Comment: Not observed at a significant frequency in large population cohorts (gnomAD); In silico analysis supports that this missense variant has a deleterious effect on protein structure/function; This variant is associated with the following publications: (PMID: 29300326, 11111101, 12914579, 16392899, 24500076, 11298379, 9714007, 10995508, 11186897, 11471166, 23603282, 12070263)

Blueprint Genetics
Classification: Pathogenic for DHCR7-related disorders. Last evaluated: 2021-10-04. Review status: criteria provided, single submitter. Criteria: ACMG Guidelines, 2015. Collection method: clinical testing. Allele origin: germline. Affected: yes. Observed: 4 variant alleles.

Athena Diagnostics
Classification: Likely pathogenic. Last evaluated: 2020-09-21. Review status: criteria provided, single submitter. Criteria: Athena Diagnostics criteria. Collection method: clinical testing. Allele origin: unknown.
Comment: The frequency of this variant in the general population is consistent with pathogenicity. This variant appears to segregate with disease in at least one family, however, the available information does not rule out segregation due to chance. Assessment of experimental evidence suggests this variant results in abnormal protein function. Elevated levels of 7-DHC were present in patients (PMID: 9714007).

Ambry Genetics
Classification: Pathogenic for Inborn genetic diseases. Last evaluated: 2019-05-22. Review status: criteria provided, single submitter. Criteria: Ambry Variant Classification Scheme 2023. Collection method: clinical testing. Allele origin: germline.
Comment: The p.T289I pathogenic mutation (also known as c.866C>T), located in coding exon 6 of the DHCR7 gene, results from a C to T substitution at nucleotide position 866. The threonine at codon 289 is replaced by isoleucine, an amino acid with similar properties. This mutation has been reported in multiple individuals with Smith-Lemli-Opitz syndrome, in conjunction with a second disease-causing allele (Krakowiak PA et al. Am. J. Med. Genet., 2000 Sep;94:214-27; Nowaczyk MJ et al. Am. J. Med. Genet., 2001 Apr;100:162-3). Based on data from gnomAD, the T allele has an overall frequency of approximately 0.0016% (4/251110). Based on the supporting evidence, this alteration is interpreted as a disease-causing mutation.

Counsyl
Classification: Likely pathogenic for Smith-Lemli-Opitz syndrome. Last evaluated: 2016-04-06. Review status: no assertion criteria provided. Collection method: clinical testing. Allele origin: unknown. Not counted in ClinVar's aggregate classification.

OMIM
Classification: Pathogenic for SMITH-LEMLI-OPITZ SYNDROME. Last evaluated: 2001-04-22. Review status: no assertion criteria provided. Collection method: literature only. Allele origin: germline. Not counted in ClinVar's aggregate classification.

Literature cited by the submitters: PubMed 17441222 (cited by Natera, Inc.); PubMed 10995508 (cited by 7 submitters); PubMed 20014133 (cited by Women's Health and Genetics/Laboratory Corporation of America, LabCorp); PubMed 11471166 (cited by Women's Health and Genetics/Laboratory Corporation of America, LabCorp and Athena Diagnostics); PubMed 11298379 (cited by 5 submitters); PubMed 9714007 (cited by Athena Diagnostics and OMIM); PubMed 11111101 (cited by Athena Diagnostics); PubMed 11186897 (cited by Athena Diagnostics); PubMed 24500076 (cited by Athena Diagnostics and Counsyl); PubMed 10677299 (cited by Athena Diagnostics and Ambry Genetics); PubMed 12070263 (cited by Athena Diagnostics and Ambry Genetics); PubMed 29300326 (cited by Athena Diagnostics and Ambry Genetics); PubMed 23603282 (cited by Athena Diagnostics); PubMed 11175299 (cited by Athena Diagnostics); PubMed 12914579 (cited by Ambry Genetics); PubMed 23042628 (cited by Ambry Genetics).

NM_001360.3(DHCR7):c.866C>T (p.Thr289Ile)

Gene: DHCR7 (7-dehydrocholesterol reductase; minus strand). Cytogenetic location: 11q13.4.
Variant type: single nucleotide variant.
Coding change: c.866C>T on transcript NM_001360.3 (MANE Select); coding-DNA position 866, C replaced by T.
Protein change: p.Thr289Ile; replaces threonine 289 with isoleucine.
Molecular consequence: missense variant.
Genome position (GRCh38, 1-based): chr11:71,437,909, G>A on the plus strand (C>T on the coding strand, the complement: DHCR7 is on the minus strand). VCF-style: chr11-71437909-G-A. GRCh37 (hg19) VCF-style: chr11-71148955-G-A.
Other names: c.866C>T, p.Thr289Ile (NM_001163817.2); short protein forms T289I.
Identifiers: ClinVar variation 6789 (VCV000006789.28), dbSNP rs121909765, ClinGen allele CA253946.
Genomic context (GRCh38, chr11:71,437,909, plus strand): 5'-CCCCAGCCCAGGTACCACCCGAAGTGGTCATGGCAGATGTCAATGGTCTTCAGGTACCAG[G>A]TTTCGTTCCAGAAGAAGTCAATCACGTAGATGGCCTGCAAGACAGAAGCAGCCGCTGACC-3'
Protein context (NP_001351.2, residues 279-299): IYVIDFFWNE[Thr289Ile]WYLKTIDICH